The following is an entry in ClinVar:

ClinVar aggregate classification (germline): Benign/Likely benign. Review status: criteria provided, multiple submitters, no conflicts (2 of 4 stars). 3 submissions from 3 submitters: Benign (1); Likely benign (1). 1 of the submissions does not count toward it. Last evaluated 2026-07-01.

Conditions:
ITPR3-related disorder. Also called: ITPR3-related condition.

Allele frequency attached by ClinVar (database versions not stated): gnomAD exomes 0.00017 and 0.00049; ExAC 0.00064; ESP Exome Variant Server 0.00146; gnomAD 0.00189 and 0.00202; 1000 Genomes Project 0.00200; TOPMed 0.00207; 1000 Genomes Project 30x 0.00234.
gnomAD v4.1: 537 of 1,613,434 alleles (0.033%); highest among the groups gnomAD compares: African/African-American, 0.64%; 1 homozygote.

Submissions (3):

CeGaT Center for Human Genetics Tuebingen
Classification: Likely benign. Last evaluated: 2026-07-01. Review status: criteria provided, single submitter. Criteria: CeGaT Center For Human Genetics Tuebingen Variant Classification Criteria Version 2. Collection method: clinical testing. Allele origin: germline. Affected: yes. Observed: 1 variant allele.
Comment: ITPR3: BP4, BP7

Labcorp Genetics (formerly Invitae), Labcorp
Classification: Benign. Last evaluated: 2018-06-26. Review status: criteria provided, single submitter. Criteria: Invitae Variant Classification Sherloc (09022015). Collection method: clinical testing. Allele origin: germline.

PreventionGenetics, part of Exact Sciences
Classification: Likely benign for ITPR3-related condition. Last evaluated: 2019-11-25. Review status: no assertion criteria provided. Collection method: clinical testing. Allele origin: germline. Not counted in ClinVar's aggregate classification.
Comment: This variant is classified as likely benign based on ACMG/AMP sequence variant interpretation guidelines (Richards et al. 2015 PMID: 25741868, with internal and published modifications).

NM_002224.4(ITPR3):c.3858C>T (p.Phe1286=)

Gene: ITPR3 (inositol 1,4,5-trisphosphate receptor type 3; plus strand). Cytogenetic location: 6p21.31.
Variant type: single nucleotide variant.
Coding change: c.3858C>T on transcript NM_002224.4 (MANE Select); coding-DNA position 3858, C replaced by T.
Protein change: p.Phe1286=; no amino-acid change (phenylalanine 1286 retained).
Molecular consequence: synonymous variant.
Genome position (GRCh38, 1-based): chr6:33,678,725, C>T. VCF-style: chr6-33678725-C-T. GRCh37 (hg19) VCF-style: chr6-33646502-C-T.
Identifiers: ClinVar variation 709410 (VCV000709410.6), dbSNP rs144005144, ClinGen allele CA3761049.